The following is an entry in ClinVar:

ClinVar aggregate classification (germline): Pathogenic (1 of 4 stars; one submission).

Conditions:
Fanconi anemia (FA). Also called: Fanconi's anemia. Identifiers: Orphanet 84, MedGen C0015625, MeSH D005199, MONDO:0019391.

Submission:

Labcorp Genetics (formerly Invitae), Labcorp
Classification: Pathogenic for Fanconi anemia. Last evaluated: 2023-10-23. Review status: criteria provided, single submitter. Criteria: Invitae Variant Classification Sherloc (09022015). Collection method: clinical testing. Allele origin: germline.
Comment: This sequence change creates a premature translational stop signal (p.Gln223*) in the FANCD2 gene. It is expected to result in an absent or disrupted protein product. Loss-of-function variants in FANCD2 are known to be pathogenic (PMID: 17436244). This variant is not present in population databases (gnomAD no frequency). This variant has not been reported in the literature in individuals affected with FANCD2-related conditions. Algorithms developed to predict the effect of sequence changes on RNA splicing suggest that this variant may disrupt the consensus splice site. For these reasons, this variant has been classified as Pathogenic.

Literature cited by the submitters: PubMed 17436244.

NM_001018115.3(FANCD2):c.667C>T (p.Gln223Ter)

Genes: FANCD2 (FA complementation group D2; plus strand), LOC107303338 (3p25 FANCD2 Alu-mediated recombination region; plus strand). Cytogenetic location: 3p25.3.
Variant type: single nucleotide variant.
Coding change: c.667C>T on transcript NM_001018115.3 (MANE Select); coding-DNA position 667, C replaced by T.
Protein change: p.Gln223Ter; replaces glutamine 223 with a stop codon.
Molecular consequence: nonsense.
Genome position (GRCh38, 1-based): chr3:10,039,817, C>T. VCF-style: chr3-10039817-C-T. GRCh37 (hg19) VCF-style: chr3-10081501-C-T.
Other names: c.667C>T, p.Gln223Ter (NM_001319984.2, NM_001374253.1, NM_001374254.1 and 2 more transcripts); short protein forms Q223*.
Identifiers: ClinVar variation 2729872 (VCV002729872.3), dbSNP rs1307143430, ClinGen allele CA351725245.